The following is an entry in ClinVar:

ClinVar aggregate classification (germline): Uncertain significance (1 of 4 stars; one submission).

Allele frequency attached by ClinVar (database versions not stated): gnomAD exomes 0.00001.
gnomAD v4.1: 9 of 1,551,400 alleles (0.00058%); highest among the groups gnomAD compares: Non-Finnish European, 0.0007%; no homozygotes.

Submission:

Labcorp Genetics (formerly Invitae), Labcorp
Classification: Uncertain significance. Last evaluated: 2024-02-16. Review status: criteria provided, single submitter. Criteria: Invitae Variant Classification Sherloc (09022015). Collection method: clinical testing. Allele origin: germline.
Comment: This sequence change replaces leucine, which is neutral and non-polar, with phenylalanine, which is neutral and non-polar, at codon 777 of the ZSWIM6 protein (p.Leu777Phe). This variant is not present in population databases (gnomAD no frequency). This variant has not been reported in the literature in individuals affected with ZSWIM6-related conditions. Advanced modeling of protein sequence and biophysical properties (such as structural, functional, and spatial information, amino acid conservation, physicochemical variation, residue mobility, and thermodynamic stability) performed at Invitae indicates that this missense variant is not expected to disrupt ZSWIM6 protein function with a negative predictive value of 80%. In summary, the available evidence is currently insufficient to determine the role of this variant in disease. Therefore, it has been classified as a Variant of Uncertain Significance.

NM_020928.2(ZSWIM6):c.2329C>T (p.Leu777Phe)

Gene: ZSWIM6 (zinc finger SWIM-type containing 6; plus strand). Cytogenetic location: 5q12.1.
Variant type: single nucleotide variant.
Coding change: c.2329C>T on transcript NM_020928.2 (MANE Select); coding-DNA position 2329, C replaced by T.
Protein change: p.Leu777Phe; replaces leucine 777 with phenylalanine.
Molecular consequence: missense variant.
Genome position (GRCh38, 1-based): chr5:61,535,567, C>T. VCF-style: chr5-61535567-C-T. GRCh37 (hg19) VCF-style: chr5-60831394-C-T.
Other names: short protein forms L777F.
Identifiers: ClinVar variation 2780674 (VCV002780674.3), dbSNP rs1207789330, ClinGen allele CA359945108.